The following is an entry in ClinVar:

NM_198994.3(TGM6):c.1604C>T (p.Thr535Ile)

Gene: TGM6 (transglutaminase 6; plus strand). Cytogenetic location: 20p13.
Variant type: single nucleotide variant.
Coding change: c.1604C>T on transcript NM_198994.3 (MANE Select); coding-DNA position 1604, C replaced by T.
Protein change: p.Thr535Ile; replaces threonine 535 with isoleucine.
Molecular consequence: missense variant.
Genome position (GRCh38, 1-based): chr20:2,417,499, C>T. VCF-style: chr20-2417499-C-T. GRCh37 (hg19) VCF-style: chr20-2398145-C-T.
Other names: c.1604C>T, p.Thr535Ile (NM_001254734.2); short protein forms T535I.
Identifiers: ClinVar variation 3647847 (VCV003647847.2).

ClinVar aggregate classification (germline): Uncertain significance (1 of 4 stars; one submission).

gnomAD v4.1: 1 of 1,608,370 alleles (0.000062%); highest among the groups gnomAD compares: Admixed American, 0.0017%; no homozygotes.

Submission:

Labcorp Genetics (formerly Invitae), Labcorp
Classification: Uncertain significance. Last evaluated: 2024-03-27. Review status: criteria provided, single submitter. Criteria: Invitae Variant Classification Sherloc (09022015). Collection method: clinical testing. Allele origin: germline.
Comment: This sequence change replaces threonine, which is neutral and polar, with isoleucine, which is neutral and non-polar, at codon 535 of the TGM6 protein (p.Thr535Ile). This variant is present in population databases (rs769520364, gnomAD 0.003%). This variant has not been reported in the literature in individuals affected with TGM6-related conditions. Advanced modeling of protein sequence and biophysical properties (such as structural, functional, and spatial information, amino acid conservation, physicochemical variation, residue mobility, and thermodynamic stability) performed at Invitae indicates that this missense variant is not expected to disrupt TGM6 protein function with a negative predictive value of 80%. In summary, the available evidence is currently insufficient to determine the role of this variant in disease. Therefore, it has been classified as a Variant of Uncertain Significance.